The following is an entry in ClinVar:

NM_001105206.3(LAMA4):c.5011G>A (p.Glu1671Lys)

Gene: LAMA4 (laminin subunit alpha 4; minus strand). Cytogenetic location: 6q21.
Variant type: single nucleotide variant.
Coding change: c.5011G>A on transcript NM_001105206.3 (MANE Select); coding-DNA position 5011, G replaced by A.
Protein change: p.Glu1671Lys; replaces glutamic acid 1671 with lysine.
Molecular consequence: missense variant.
Genome position (GRCh38, 1-based): chr6:112,115,964, C>T on the plus strand (G>A on the coding strand, the complement: LAMA4 is on the minus strand). VCF-style: chr6-112115964-C-T. GRCh37 (hg19) VCF-style: chr6-112437167-C-T.
Other names: c.4990G>A, p.Glu1664Lys (NM_001105207.3, NM_002290.5); short protein forms E1671K, E1664K.
Identifiers: ClinVar variation 5023463 (VCV005023463.1).

ClinVar aggregate classification (germline): Uncertain significance (1 of 4 stars; one submission).

Conditions:
Cardiovascular phenotype. Identifiers: MedGen CN230736.

gnomAD v4.1: 1 of 1,613,358 alleles (0.000062%); highest among the groups gnomAD compares: East Asian, 0.0022%; no homozygotes.

Submission:

Ambry Genetics
Classification: Uncertain significance for Cardiovascular phenotype. Last evaluated: 2026-07-13. Review status: criteria provided, single submitter. Criteria: Ambry Variant Classification Scheme 2023. Collection method: clinical testing. Allele origin: germline.
Comment: The p.E1664K variant (also known as c.4990G>A), located in coding exon 35 of the LAMA4 gene, results from a G to A substitution at nucleotide position 4990. The glutamic acid at codon 1664 is replaced by lysine, an amino acid with similar properties. This amino acid position is conserved. In addition, this alteration is predicted to be deleterious by in silico analysis. Based on the available evidence, the clinical significance of this variant remains unclear.